The following is an entry in ClinVar:

ClinVar aggregate classification (germline): Pathogenic. Review status: criteria provided, multiple submitters, no conflicts (2 of 4 stars). 6 submissions from 6 submitters: Pathogenic (3). 3 of the submissions do not count toward it. Last evaluated 2024-04-24.

Conditions:
Jeune thoracic dystrophy. Also called: Short-rib thoracic dysplasia; Jeune syndrome; Infantile thoracic dystrophy; Thoracic pelvic phalangeal dystrophy; Jeune's syndrome; Chondroectodermal dysplasia-like syndrome. Identifiers: Orphanet 474, MedGen C0265275, MONDO:0018770.
Asphyxiating thoracic dystrophy 3. Also called: SHORT-RIB THORACIC DYSPLASIA 3 WITH OR WITHOUT POLYDACTYLY; POLYDACTYLY WITH NEONATAL CHONDRODYSTROPHY, TYPE I; SHORT-RIB THORACIC DYSPLASIA 3/6 WITH POLYDACTYLY, DIGENIC; Saldino-Noonan Syndrome; Short rib polydactyly syndrome 2B. Identifiers: Orphanet 474, Orphanet 93269, Orphanet 93270, Orphanet 93271, MedGen C0036069, MONDO:0013127, OMIM 613091.

Allele frequency attached by ClinVar (database versions not stated): gnomAD exomes 0.00001; gnomAD 0.00003; ESP Exome Variant Server 0.00009; ExAC 0.00003; TOPMed 0.00003.
gnomAD v4.1: 16 of 1,589,350 alleles (0.001%); highest among the groups gnomAD compares: East Asian, 0.0023%; no homozygotes.

Submissions (6):

Myriad Genetics, Inc.
Classification: Pathogenic for Asphyxiating thoracic dystrophy 3. Last evaluated: 2024-04-24. Review status: criteria provided, single submitter. Criteria: Myriad Autosomal Dominant, Autosomal Recessive and X-Linked Classification Criteria (2023). Collection method: clinical testing. Allele origin: unknown.
Comment: NM_001377.2(DYNC2H1):c.1306G>T(E436*) is expected to be pathogenic in the context of DYNC2H1-related disorders. This variant is predicted to lead to an abnormal or absent protein product due to the creation of a premature termination codon in DYNC2H1, a gene where loss-of-function variants are known to be pathogenic. Please note: this variant was assessed in the context of healthy population screening.

Labcorp Genetics (formerly Invitae), Labcorp
Classification: Pathogenic for Jeune thoracic dystrophy. Last evaluated: 2022-06-12. Review status: criteria provided, single submitter. Criteria: Invitae Variant Classification Sherloc (09022015). Collection method: clinical testing. Allele origin: germline.
Comment: This premature translational stop signal has been observed in individual(s) with short-rib thoracic dysplasia (SRTD) with or without polydactyly (PMID: 23456818, 29068549). The frequency data for this variant in the population databases is considered unreliable, as metrics indicate poor data quality at this position in the gnomAD database. This sequence change creates a premature translational stop signal (p.Glu436*) in the DYNC2H1 gene. It is expected to result in an absent or disrupted protein product. Loss-of-function variants in DYNC2H1 are known to be pathogenic (PMID: 23339108, 32753734). ClinVar contains an entry for this variant (Variation ID: 446556). For these reasons, this variant has been classified as Pathogenic.

Rare Disease Group, Clinical Genetics, Karolinska Institutet
Classification: Pathogenic for Jeune thoracic dystrophy. Last evaluated: 2018-05-01. Review status: criteria provided, single submitter. Criteria: ACMG Guidelines, 2015. Collection method: research. Allele origin: paternal. Inheritance: Autosomal recessive inheritance. Affected: yes.

Dan Cohn Lab, University Of California Los Angeles
Classification: Pathogenic for Asphyxiating thoracic dystrophy. Last evaluated: 2017-06-01. Review status: no assertion criteria provided. Collection method: research. Allele origin: unknown. Affected: yes. Not counted in ClinVar's aggregate classification.

Joint Genome Diagnostic Labs from Nijmegen and Maastricht, Radboudumc and MUMC+
Classification: Pathogenic for Asphyxiating thoracic dystrophy 3. Review status: no assertion criteria provided. Collection method: research. Allele origin: inherited. Affected: yes. Not counted in ClinVar's aggregate classification.

University of Washington Center for Mendelian Genomics, University of Washington
Classification: Likely pathogenic for asphyxiating thoracic dystrophy. Review status: no assertion criteria provided. Collection method: research. Allele origin: inherited. Affected: yes. Not counted in ClinVar's aggregate classification.

Literature cited by the submitters: PubMed 23456818 (cited by Labcorp Genetics (formerly Invitae), Labcorp); PubMed 29068549 (cited by 3 submitters); PubMed 23339108 (cited by Labcorp Genetics (formerly Invitae), Labcorp); PubMed 32753734 (cited by Labcorp Genetics (formerly Invitae), Labcorp).

NM_001377.3(DYNC2H1):c.1306G>T (p.Glu436Ter)

Gene: DYNC2H1 (dynein cytoplasmic 2 heavy chain 1; plus strand). Cytogenetic location: 11q22.3.
Variant type: single nucleotide variant.
Coding change: c.1306G>T on transcript NM_001377.3 (MANE Select); coding-DNA position 1306, G replaced by T.
Protein change: p.Glu436Ter; replaces glutamic acid 436 with a stop codon.
Molecular consequence: nonsense.
Genome position (GRCh38, 1-based): chr11:103,120,982, G>T. VCF-style: chr11-103120982-G-T. GRCh37 (hg19) VCF-style: chr11-102991711-G-T.
Other names: c.1306G>T, p.Glu436Ter (NM_001080463.2); short protein forms E436*.
Identifiers: ClinVar variation 446556 (VCV000446556.13), dbSNP rs371011047, ClinGen allele CA6252736.